The following is an entry in ClinVar:

ClinVar aggregate classification (germline): Likely benign (1 of 4 stars; one submission).

Allele frequency attached by ClinVar (database versions not stated): 1000 Genomes Project 0.00399; 1000 Genomes Project 30x 0.00468; TOPMed 0.00471; ExAC 0.00787.
gnomAD v4.1: 11,309 of 1,548,936 alleles (0.73%); highest among the groups gnomAD compares: Middle Eastern, 1.3%; 60 homozygotes.

Submissions (7):

CeGaT Center for Human Genetics Tuebingen
Classification: Likely benign. Last evaluated: 2023-04-01. Review status: criteria provided, single submitter. Criteria: CeGaT Center For Human Genetics Tuebingen Variant Classification Criteria Version 2. Collection method: clinical testing. Allele origin: germline. Affected: yes. Observed: 1 variant allele.
Comment: ZSCAN32: BP4, BS2

Dr. Peter K. Rogan Lab, Western University
No classification provided (evidence only). Condition: Colon adenocarcinoma. Review status: no classification provided. Collection method: in vitro. Allele origin: not applicable. Functional consequence: retained intron. Not counted in ClinVar's aggregate classification.

Dr. Peter K. Rogan Lab, Western University
No classification provided (evidence only). Condition: Colon adenocarcinoma. Review status: no classification provided. Collection method: in vitro. Allele origin: not applicable. Functional consequence: retained intron. Not counted in ClinVar's aggregate classification.

Dr. Peter K. Rogan Lab, Western University
No classification provided (evidence only). Condition: Colon adenocarcinoma. Review status: no classification provided. Collection method: in vitro. Allele origin: not applicable. Functional consequence: retained intron. Not counted in ClinVar's aggregate classification.

Dr. Peter K. Rogan Lab, Western University
No classification provided (evidence only). Condition: Cervical cancer. Review status: no classification provided. Collection method: in vitro. Allele origin: not applicable. Functional consequence: retained intron. Not counted in ClinVar's aggregate classification.

Dr. Peter K. Rogan Lab, Western University
No classification provided (evidence only). Condition: Sarcoma. Review status: no classification provided. Collection method: in vitro. Allele origin: not applicable. Functional consequence: retained intron. Not counted in ClinVar's aggregate classification.

Dr. Peter K. Rogan Lab, Western University
No classification provided (evidence only). Condition: Ovarian serous cystadenocarcinoma. Review status: no classification provided. Collection method: in vitro. Allele origin: not applicable. Functional consequence: retained intron. Not counted in ClinVar's aggregate classification.

NM_001284527.2(ZSCAN32):c.550G>T (p.Ala184Ser)

Gene: ZSCAN32 (zinc finger and SCAN domain containing 32; minus strand). Cytogenetic location: 16p13.3.
Variant type: single nucleotide variant.
Coding change: c.550G>T on transcript NM_001284527.2 (MANE Select); coding-DNA position 550, G replaced by T.
Protein change: p.Ala184Ser; replaces alanine 184 with serine.
Molecular consequence: missense variant. On other transcripts: 5 prime UTR variant (4), intron variant (5).
Genome position (GRCh38, 1-based): chr16:3,390,500, C>A on the plus strand (G>T on the coding strand, the complement: ZSCAN32 is on the minus strand). VCF-style: chr16-3390500-C-A. GRCh37 (hg19) VCF-style: chr16-3440500-C-A.
Other names: NC_000016.9:g.3440500C>A; c.-137G>T (NM_001324340.2, NM_001324344.2, NM_017810.4); c.-87G>T (NM_001324341.2); c.151G>T, p.Ala51Ser (NM_001324343.2); c.-116-5559G>T (NM_001284529.2, NM_001284528.2); c.-59-317G>T (NM_001324345.2, NM_001324342.2); c.532+3149G>T (NM_001324346.2); short protein forms A184S, A51S.
Identifiers: ClinVar variation 2646104 (VCV002646104.25), dbSNP rs117689911, ClinGen allele CA7862245.
Genomic context (GRCh38, chr16:3,390,500, plus strand): 5'-AGACCACAGCACCTGTCTCCTGGTCGTGGAGACCTGTGTTTTGAGGCAGGTTCCTGGGAG[C>A]CTGAGGAGCAAGCCAGGCTGGGGGAAAAAACAGCCGCTATTAGAGGGCGGCTTCCACACA-3'
Protein context (NP_001271456.1, residues 174-194): EQSEAWLAPQ[Ala184Ser]PRNLPQNTGL